The following is an entry in ClinVar:

ClinVar aggregate classification (germline): Uncertain significance (1 of 4 stars; one submission).

Conditions:
Neurodevelopmental disorder with or without hyperkinetic movements and seizures, autosomal dominant. Also called: Intellectual disability, autosomal dominant 8. Identifiers: MedGen C3280282, MONDO:0013655, OMIM 614254.

Submission:

Labcorp Genetics (formerly Invitae), Labcorp
Classification: Uncertain significance for Neurodevelopmental disorder with or without hyperkinetic movements and seizures, autosomal dominant. Last evaluated: 2019-12-16. Review status: criteria provided, single submitter. Criteria: Invitae Variant Classification Sherloc (09022015). Collection method: clinical testing. Allele origin: germline.
Comment: This variant results in a copy number gain of the genomic region encompassing exon 1 of the GRIN1 gene, which includes the initiator codon. The 5' end of this event is unknown as it extends beyond the assayed region for this gene and therefore may encompass additional genes. The 3' boundary is likely confined to intron 1 of the GRIN1 gene. As the precise location of this event is unknown, it may be in tandem or it may be located elsewhere in the genome. This variant has not been reported in the literature in individuals with GRIN1-related conditions. Experimental studies and prediction algorithms are not available or were not evaluated for this variant, and the functional significance of the affected amino acid(s) is currently unknown. In summary, the available evidence is currently insufficient to determine the role of this variant in disease. Therefore, it has been classified as a Variant of Uncertain Significance.

NC_000009.12:g.(?_137139467)_(137139764_?)dup

Gene: GRIN1 (glutamate ionotropic receptor NMDA type subunit 1; plus strand). Cytogenetic location: 9q34.3.
Variant type: Duplication.
Identifiers: ClinVar variation 832429 (VCV000832429.1).